The following is an entry in ClinVar:

ClinVar aggregate classification (germline): Uncertain significance (1 of 4 stars; one submission).

Submission:

Labcorp Genetics (formerly Invitae), Labcorp
Classification: Uncertain significance. Last evaluated: 2022-07-12. Review status: criteria provided, single submitter. Criteria: Invitae Variant Classification Sherloc (09022015). Collection method: clinical testing. Allele origin: germline.
Comment: This sequence change replaces methionine, which is neutral and non-polar, with leucine, which is neutral and non-polar, at codon 688 of the ARHGEF18 protein (p.Met688Leu). This variant is not present in population databases (gnomAD no frequency). This variant has not been reported in the literature in individuals affected with ARHGEF18-related conditions. ClinVar contains an entry for this variant (Variation ID: 1415993). Algorithms developed to predict the effect of missense changes on protein structure and function (SIFT, PolyPhen-2, Align-GVGD) all suggest that this variant is likely to be tolerated. In summary, the available evidence is currently insufficient to determine the role of this variant in disease. Therefore, it has been classified as a Variant of Uncertain Significance.

NM_001367823.1(ARHGEF18):c.2626A>C (p.Met876Leu)

Gene: ARHGEF18 (Rho/Rac guanine nucleotide exchange factor 18; plus strand). Cytogenetic location: 19p13.2.
Variant type: single nucleotide variant.
Coding change: c.2626A>C on transcript NM_001367823.1 (MANE Select); coding-DNA position 2626, A replaced by C.
Protein change: p.Met876Leu; replaces methionine 876 with leucine.
Molecular consequence: missense variant.
Genome position (GRCh38, 1-based): chr19:7,462,325, A>C. VCF-style: chr19-7462325-A-C. GRCh37 (hg19) VCF-style: chr19-7527211-A-C.
Other names: c.1900A>C, p.Met634Leu (NM_001130955.2); c.1588A>C, p.Met530Leu (NM_001367824.1, NM_015318.4); short protein forms M634L, M530L, M876L.
Identifiers: ClinVar variation 1415993 (VCV001415993.6), dbSNP rs2145886260, ClinGen allele CA403081471.